The following is an entry in ClinVar:

ClinVar aggregate classification (germline): Uncertain significance (1 of 4 stars; one submission).

Conditions:
Cardiovascular phenotype. Identifiers: MedGen CN230736.

Submission:

Ambry Genetics
Classification: Uncertain significance for Cardiovascular phenotype. Last evaluated: 2024-05-11. Review status: criteria provided, single submitter. Criteria: Ambry Variant Classification Scheme 2023. Collection method: clinical testing. Allele origin: germline.
Comment: The p.L178Q variant (also known as c.533T>A), located in coding exon 5 of the AKAP9 gene, results from a T to A substitution at nucleotide position 533. The leucine at codon 178 is replaced by glutamine, an amino acid with dissimilar properties. This amino acid position is conserved. In addition, this alteration is predicted to be deleterious by in silico analysis. Based on the available evidence, the clinical significance of this variant remains unclear.

NM_005751.5(AKAP9):c.533T>A (p.Leu178Gln)

Gene: AKAP9 (A-kinase anchoring protein 9; plus strand). Cytogenetic location: 7q21.2.
Variant type: single nucleotide variant.
Coding change: c.533T>A on transcript NM_005751.5 (MANE Select); coding-DNA position 533, T replaced by A.
Protein change: p.Leu178Gln; replaces leucine 178 with glutamine.
Molecular consequence: missense variant.
Genome position (GRCh38, 1-based): chr7:91,993,012, T>A. VCF-style: chr7-91993012-T-A. GRCh37 (hg19) VCF-style: chr7-91622326-T-A.
Other names: c.533T>A, p.Leu178Gln (NM_147185.3); short protein forms L178Q.
Identifiers: ClinVar variation 3282007 (VCV003282007.1).